The following is an entry in ClinVar:

NM_001134831.2(AHI1):c.3053A>G (p.Gln1018Arg)

Gene: AHI1 (Abelson helper integration site 1; minus strand). Cytogenetic location: 6q23.3.
Variant type: single nucleotide variant.
Coding change: c.3053A>G on transcript NM_001134831.2 (MANE Select); coding-DNA position 3053, A replaced by G.
Protein change: p.Gln1018Arg; replaces glutamine 1018 with arginine.
Molecular consequence: missense variant.
Genome position (GRCh38, 1-based): chr6:135,394,832, T>C on the plus strand (A>G on the coding strand, the complement: AHI1 is on the minus strand). VCF-style: chr6-135394832-T-C. GRCh37 (hg19) VCF-style: chr6-135715970-T-C.
Other names: c.3053A>G, p.Gln1018Arg (NM_001134830.2, NM_001134832.2, NM_001350503.2 and 2 more transcripts); short protein forms Q1018R.
Identifiers: ClinVar variation 1926505 (VCV001926505.5), dbSNP rs6940875, ClinGen allele CA365843715.

ClinVar aggregate classification (germline): Uncertain significance (1 of 4 stars; one submission).

Conditions:
Joubert syndrome. Also called: CEREBELLOPARENCHYMAL DISORDER IV; JOUBERT-BOLTSHAUSER SYNDROME; Familial aplasia of the vermis. Identifiers: Orphanet 475, MedGen C5979921, MONDO:0018772.

Submission:

Labcorp Genetics (formerly Invitae), Labcorp
Classification: Uncertain significance for Joubert syndrome. Last evaluated: 2022-02-10. Review status: criteria provided, single submitter. Criteria: Invitae Variant Classification Sherloc (09022015). Collection method: clinical testing. Allele origin: germline.
Comment: This variant is not present in population databases (gnomAD no frequency). This sequence change replaces glutamine, which is neutral and polar, with arginine, which is basic and polar, at codon 1018 of the AHI1 protein (p.Gln1018Arg). This variant has not been reported in the literature in individuals affected with AHI1-related conditions. Advanced modeling of protein sequence and biophysical properties (such as structural, functional, and spatial information, amino acid conservation, physicochemical variation, residue mobility, and thermodynamic stability) performed at Invitae indicates that this missense variant is not expected to disrupt AHI1 protein function. In summary, the available evidence is currently insufficient to determine the role of this variant in disease. Therefore, it has been classified as a Variant of Uncertain Significance.